The following is an entry in ClinVar:

ClinVar aggregate classification (germline): Uncertain significance. Review status: criteria provided, multiple submitters, no conflicts (2 of 4 stars). 3 submissions from 3 submitters: Uncertain significance (3). Last evaluated 2024-10-04.

Conditions:
Familial meningioma. Also called: Meningioma, familial, susceptibility to. Identifiers: Orphanet 263662, MedGen C3551915, MONDO:0011789, OMIM 607174.
Hereditary cancer-predisposing syndrome. Also called: Neoplastic Syndromes, Hereditary; Hereditary Cancer Syndrome; Hereditary neoplastic syndrome; Tumor predisposition. Identifiers: Orphanet 140162, MedGen C0027672, MeSH D009386, MONDO:0015356.

Allele frequency attached by ClinVar (database versions not stated): gnomAD 0.00001; TOPMed 0.00002.
gnomAD v4.1: 4 of 1,613,822 alleles (0.00025%); highest among the groups gnomAD compares: Non-Finnish European, 0.00034%; no homozygotes.

Submissions (3):

Ambry Genetics
Classification: Uncertain significance for Hereditary cancer-predisposing syndrome. Last evaluated: 2024-10-04. Review status: criteria provided, single submitter. Criteria: Ambry Variant Classification Scheme 2023. Collection method: clinical testing. Allele origin: germline.
Comment: The p.P339A variant (also known as c.1015C>G), located in coding exon 9 of the SMARCE1 gene, results from a C to G substitution at nucleotide position 1015. The proline at codon 339 is replaced by alanine, an amino acid with highly similar properties. This amino acid position is highly conserved in available vertebrate species. In addition, this alteration is predicted to be tolerated by in silico analysis. This variant has been detected in multiple individuals with no reported features of Coffin-Siris syndrome (Ambry internal data). Based on the supporting evidence, the association of this alteration with an increased risk of meningiomas is unknown; however, the association of this alteration with an increased risk of Coffin-Siris syndrome is unlikely.

Labcorp Genetics (formerly Invitae), Labcorp
Classification: Uncertain significance for Familial meningioma. Last evaluated: 2023-09-08. Review status: criteria provided, single submitter. Criteria: Invitae Variant Classification Sherloc (09022015). Collection method: clinical testing. Allele origin: germline.
Comment: This variant has not been reported in the literature in individuals affected with SMARCE1-related conditions. ClinVar contains an entry for this variant (Variation ID: 1435706). Advanced modeling of protein sequence and biophysical properties (such as structural, functional, and spatial information, amino acid conservation, physicochemical variation, residue mobility, and thermodynamic stability) performed at Invitae indicates that this missense variant is not expected to disrupt SMARCE1 protein function. In summary, the available evidence is currently insufficient to determine the role of this variant in disease. Therefore, it has been classified as a Variant of Uncertain Significance. This sequence change replaces proline, which is neutral and non-polar, with alanine, which is neutral and non-polar, at codon 339 of the SMARCE1 protein (p.Pro339Ala). This variant is not present in population databases (gnomAD no frequency).

GeneDx
Classification: Uncertain significance. Last evaluated: 2022-12-01. Review status: criteria provided, single submitter. Criteria: GeneDx Variant Classification Process June 2021. Collection method: clinical testing. Allele origin: germline. Affected: yes.
Comment: Not observed at significant frequency in large population cohorts (gnomAD); In silico analysis supports that this missense variant does not alter protein structure/function; Has not been previously published as pathogenic or benign to our knowledge; This variant is associated with the following publications: (PMID: 19245665)

NM_003079.5(SMARCE1):c.1015C>G (p.Pro339Ala)

Gene: SMARCE1 (SWI/SNF related BAF chromatin remodeling complex subunit E1; minus strand). Cytogenetic location: 17q21.2.
Variant type: single nucleotide variant.
Coding change: c.1015C>G on transcript NM_003079.5 (MANE Select); coding-DNA position 1015, C replaced by G.
Protein change: p.Pro339Ala; replaces proline 339 with alanine.
Molecular consequence: missense variant.
Genome position (GRCh38, 1-based): chr17:40,630,726, G>C on the plus strand (C>G on the coding strand, the complement: SMARCE1 is on the minus strand). VCF-style: chr17-40630726-G-C. GRCh37 (hg19) VCF-style: chr17-38786978-G-C.
Other names: short protein forms P339A.
Identifiers: ClinVar variation 1435706 (VCV001435706.11), dbSNP rs1025768618, ClinGen allele CA399363125.